The following is an entry in ClinVar:

NM_014874.4(MFN2):c.1701G>A (p.Met567Ile)

Genes: MFN2 (mitofusin 2; plus strand), LOC129929426 (ATAC-STARR-seq lymphoblastoid active region 185; plus strand). Cytogenetic location: 1p36.22.
Variant type: single nucleotide variant.
Coding change: c.1701G>A on transcript NM_014874.4 (MANE Select); coding-DNA position 1701, G replaced by A.
Protein change: p.Met567Ile; replaces methionine 567 with isoleucine.
Molecular consequence: missense variant.
Genome position (GRCh38, 1-based): chr1:12,005,916, G>A. VCF-style: chr1-12005916-G-A. GRCh37 (hg19) VCF-style: chr1-12065973-G-A.
Other names: c.1701G>A, p.Met567Ile (NM_001127660.2); c.1701G>A (NM_014874.3); short protein forms M567I.
Identifiers: ClinVar variation 1374585 (VCV001374585.9), dbSNP rs776026191, ClinGen allele CA599176.

ClinVar aggregate classification (germline): Uncertain significance. Review status: criteria provided, multiple submitters, no conflicts (2 of 4 stars). 3 submissions from 3 submitters: Uncertain significance (3). Last evaluated 2026-03-23.

Conditions:
Inborn genetic diseases. Identifiers: MedGen C0950123, MeSH D030342.
Charcot-Marie-Tooth disease type 2. Also called: Charcot-Marie-Tooth type 2. Identifiers: Orphanet 64746, MedGen C0270914, MONDO:0018993.

Allele frequency attached by ClinVar (database versions not stated): ExAC 0.00002; gnomAD exomes 0.00001; TOPMed 0.00002.

Submissions (3):

GeneDx
Classification: Uncertain significance. Last evaluated: 2026-03-23. Review status: criteria provided, single submitter. Criteria: GeneDx Variant Classification Process June 2021. Collection method: clinical testing. Allele origin: germline.
Comment: In silico analysis suggests that this missense variant does not alter protein structure/function; Has not been previously published as pathogenic or benign to our knowledge

Ambry Genetics
Classification: Uncertain significance for Inborn genetic diseases. Last evaluated: 2023-08-28. Review status: criteria provided, single submitter. Criteria: Ambry Variant Classification Scheme 2023. Collection method: clinical testing. Allele origin: germline.

Labcorp Genetics (formerly Invitae), Labcorp
Classification: Uncertain significance for Charcot-Marie-Tooth disease type 2. Last evaluated: 2022-11-09. Review status: criteria provided, single submitter. Criteria: Invitae Variant Classification Sherloc (09022015). Collection method: clinical testing. Allele origin: germline.
Comment: This sequence change replaces methionine, which is neutral and non-polar, with isoleucine, which is neutral and non-polar, at codon 567 of the MFN2 protein (p.Met567Ile). This variant is present in population databases (rs776026191, gnomAD 0.02%). This variant has not been reported in the literature in individuals affected with MFN2-related conditions. ClinVar contains an entry for this variant (Variation ID: 1374585). Algorithms developed to predict the effect of missense changes on protein structure and function (SIFT, PolyPhen-2, Align-GVGD) all suggest that this variant is likely to be tolerated. In summary, the available evidence is currently insufficient to determine the role of this variant in disease. Therefore, it has been classified as a Variant of Uncertain Significance.